The following is an entry in ClinVar:

ClinVar aggregate classification (germline): Uncertain significance (1 of 4 stars; one submission).

Submission:

Labcorp Genetics (formerly Invitae), Labcorp
Classification: Uncertain significance. Last evaluated: 2021-09-26. Review status: criteria provided, single submitter. Criteria: Invitae Variant Classification Sherloc (09022015). Collection method: clinical testing. Allele origin: germline.
Comment: In summary, the available evidence is currently insufficient to determine the role of this variant in disease. Therefore, it has been classified as a Variant of Uncertain Significance. Advanced modeling of protein sequence and biophysical properties (such as structural, functional, and spatial information, amino acid conservation, physicochemical variation, residue mobility, and thermodynamic stability) performed at Invitae indicates that this missense variant is not expected to disrupt FAT4 protein function. This variant has not been reported in the literature in individuals affected with FAT4-related conditions. This variant is not present in population databases (ExAC no frequency). This sequence change replaces glycine with glutamic acid at codon 1041 of the FAT4 protein (p.Gly1041Glu). The glycine residue is highly conserved and there is a moderate physicochemical difference between glycine and glutamic acid.

NM_001291303.3(FAT4):c.3122G>A (p.Gly1041Glu)

Gene: FAT4 (FAT atypical cadherin 4; plus strand). Cytogenetic location: 4q28.1.
Variant type: single nucleotide variant.
Coding change: c.3122G>A on transcript NM_001291303.3 (MANE Select); coding-DNA position 3122, G replaced by A.
Protein change: p.Gly1041Glu; replaces glycine 1041 with glutamic acid.
Molecular consequence: missense variant.
Genome position (GRCh38, 1-based): chr4:125,319,533, G>A. VCF-style: chr4-125319533-G-A. GRCh37 (hg19) VCF-style: chr4-126240688-G-A.
Other names: c.3122G>A, p.Gly1041Glu (NM_001291285.3, NM_024582.6); short protein forms G1041E.
Identifiers: ClinVar variation 1441761 (VCV001441761.6), dbSNP rs2125942835, ClinGen allele CA358121814.